The following is an entry in ClinVar:

GRCh38/hg38 6q27(chr6:168180473-170583214)x1

Genes: LINC00574 (long intergenic non-protein coding RNA 574; plus strand), LINC01615 (long intergenic non-protein coding RNA 1615; minus strand), LINC01624 (long intergenic non-protein coding RNA 1624; plus strand), LINC02519 (long intergenic non-protein coding RNA 2519; minus strand), LINC02544 (long intergenic non-protein coding RNA 2544; minus strand) and 65 more. Cytogenetic location: 6q27.
Variant type: copy number loss.
Change: copy number 1 (one copy instead of two) of chr6:168,180,473-170,583,214 (2.40 Mb, GRCh38 coordinates, 1-based), cytogenetic band 6q27.
Identifiers: ClinVar variation 58475 (VCV000058475.1).

ClinVar aggregate classification (germline): Pathogenic (1 of 4 stars; one submission).

Submission:

ISCA site 15
Classification: Pathogenic. Last evaluated: 2011-08-12. Review status: criteria provided, single submitter. Criteria: Kaminsky et al. (Genet Med. 2011). Collection method: clinical testing. Allele origin: unknown. Affected: yes. Observed: 1 variant allele.
Comment: Copy number variation identified through the course of routine clinical cytogenomic testing in postnatal populations. Clinical assertions have been curated as described in Kaminsky et al. 2011.